The following is an entry in ClinVar:

NM_000550.3(TYRP1):c.625G>A (p.Gly209Ser)

Gene: TYRP1 (tyrosinase related protein 1; plus strand). Cytogenetic location: 9p23.
Variant type: single nucleotide variant.
Coding change: c.625G>A on transcript NM_000550.3 (MANE Select); coding-DNA position 625, G replaced by A.
Protein change: p.Gly209Ser; replaces glycine 209 with serine.
Molecular consequence: missense variant.
Genome position (GRCh38, 1-based): chr9:12,695,754, G>A. VCF-style: chr9-12695754-G-A. GRCh37 (hg19) VCF-style: chr9-12695754-G-A.
Other names: short protein forms G209S.
Identifiers: ClinVar variation 1911492 (VCV001911492.5), dbSNP rs922062328, ClinGen allele CA372937865.

ClinVar aggregate classification (germline): Uncertain significance (1 of 4 stars; one submission).

Allele frequency attached by ClinVar (database versions not stated): gnomAD exomes below 0.00001.
gnomAD v4.1: 4 of 1,614,104 alleles (0.00025%); highest among the groups gnomAD compares: Non-Finnish European, 0.00034%; no homozygotes.

Submission:

Labcorp Genetics (formerly Invitae), Labcorp
Classification: Uncertain significance. Last evaluated: 2022-01-25. Review status: criteria provided, single submitter. Criteria: Invitae Variant Classification Sherloc (09022015). Collection method: clinical testing. Allele origin: germline.
Comment: Algorithms developed to predict the effect of missense changes on protein structure and function (SIFT, PolyPhen-2, Align-GVGD) all suggest that this variant is likely to be tolerated. In summary, the available evidence is currently insufficient to determine the role of this variant in disease. Therefore, it has been classified as a Variant of Uncertain Significance. This variant has not been reported in the literature in individuals affected with TYRP1-related conditions. This variant is not present in population databases (gnomAD no frequency). This sequence change replaces glycine, which is neutral and non-polar, with serine, which is neutral and polar, at codon 209 of the TYRP1 protein (p.Gly209Ser).